The following is an entry in ClinVar:

ClinVar aggregate classification (germline): Uncertain significance (1 of 4 stars; one submission).

Conditions:
Long QT syndrome 1 (LQT1). Identifiers: Orphanet 101016, Orphanet 768, MedGen C4551647, MONDO:0100316, OMIM 192500, MONDO:0008646.

Submission:

Labcorp Genetics (formerly Invitae), Labcorp
Classification: Uncertain significance for Long QT syndrome 1. Last evaluated: 2024-02-15. Review status: criteria provided, single submitter. Criteria: Invitae Variant Classification Sherloc (09022015). Collection method: clinical testing. Allele origin: germline.
Comment: This sequence change falls in intron 2 of the CALM3 gene. It does not directly change the encoded amino acid sequence of the CALM3 protein. It affects a nucleotide within the consensus splice site. This variant is not present in population databases (gnomAD no frequency). This variant has not been reported in the literature in individuals affected with CALM3-related conditions. Variants that disrupt the consensus splice site are a relatively common cause of aberrant splicing (PMID: 17576681, 9536098). Algorithms developed to predict the effect of sequence changes on RNA splicing suggest that this variant is not likely to affect RNA splicing. In summary, the available evidence is currently insufficient to determine the role of this variant in disease. Therefore, it has been classified as a Variant of Uncertain Significance.

Literature cited by the submitters: PubMed 17576681; PubMed 9536098.

NM_005184.4(CALM3):c.34+4A>G

Gene: CALM3 (calmodulin 3; plus strand). Cytogenetic location: 19q13.32.
Variant type: single nucleotide variant.
Coding change: c.34+4A>G on transcript NM_005184.4 (MANE Select); 4 bases into the intron after coding-DNA position 34, A replaced by G.
Molecular consequence: intron variant.
Genome position (GRCh38, 1-based): chr19:46,605,861, A>G. VCF-style: chr19-46605861-A-G. GRCh37 (hg19) VCF-style: chr19-47109118-A-G.
Other names: c.-75+4A>G (NM_001329921.1, NM_001329923.1); c.-73+4A>G (NM_001329924.2); c.-67+4A>G (NM_001329926.2); c.-74-2336A>G (NM_001329925.2); c.34+4A>G (NM_001329922.1).
Identifiers: ClinVar variation 3717615 (VCV003717615.2).